The following is an entry in ClinVar:

NM_001039591.3(USP9X):c.953C>T (p.Ala318Val)

Gene: USP9X (ubiquitin specific peptidase 9 X-linked; plus strand). Cytogenetic location: Xp11.4.
Variant type: single nucleotide variant.
Coding change: c.953C>T on transcript NM_001039591.3 (MANE Select); coding-DNA position 953, C replaced by T.
Protein change: p.Ala318Val; replaces alanine 318 with valine.
Molecular consequence: missense variant.
Genome position (GRCh38, 1-based): chrX:41,141,148, C>T. VCF-style: chrX-41141148-C-T. GRCh37 (hg19) VCF-style: chrX-41000401-C-T.
Other names: c.953C>T, p.Ala318Val (NM_001039590.3, NM_001410748.1, NM_001410749.1 and 1 more transcripts); short protein forms A318V.
Identifiers: ClinVar variation 4882278 (VCV004882278.2).

ClinVar aggregate classification (germline): Uncertain significance (1 of 4 stars; one submission).

gnomAD v4.1: 1 of 1,202,194 alleles (0.000083%); highest among the groups gnomAD compares: East Asian, 0.003%; no homozygotes.

Submission:

Dasa
Classification: Uncertain significance. Last evaluated: 2026-03-03. Review status: criteria provided, single submitter. Criteria: DASA Assertion Criteria. Collection method: clinical testing. Allele origin: germline.
Comment: NM_001039591.3(USP9X):c.953C>T (p.Ala318Val) is a missense variant that results in the substitution of alanine with valine. This variant is rare in population databases. The currently available literature and clinical evidence are not sufficient to establish a definitive association between this variant and the reported condition. Therefore, this variant is classified as a variant of uncertain significance.